The following is an entry in ClinVar:

NM_145698.5(ACBD5):c.1165G>A (p.Gly389Arg)

Gene: ACBD5 (acyl-CoA binding domain containing 5; minus strand). Cytogenetic location: 10p12.1.
Variant type: single nucleotide variant.
Coding change: c.1165G>A on transcript NM_145698.5 (MANE Select); coding-DNA position 1165, G replaced by A.
Protein change: p.Gly389Arg; replaces glycine 389 with arginine.
Molecular consequence: missense variant.
Genome position (GRCh38, 1-based): chr10:27,210,853, C>T on the plus strand (G>A on the coding strand, the complement: ACBD5 is on the minus strand). VCF-style: chr10-27210853-C-T. GRCh37 (hg19) VCF-style: chr10-27499782-C-T.
Other names: c.1060G>A, p.Gly354Arg (NM_001042473.4, NM_001352577.2, NM_001352578.2 and 1 more transcripts); c.1159G>A, p.Gly387Arg (NM_001271512.3); c.838G>A, p.Gly280Arg (NM_001301251.2, NM_001301252.2, NM_001301253.2 and 2 more transcripts); c.634G>A, p.Gly212Arg (NM_001301254.2); c.1219G>A, p.Gly407Arg (NM_001352568.1); c.1198G>A, p.Gly400Arg (NM_001352569.1); c.1165G>A, p.Gly389Arg (NM_001352570.1); c.1192G>A, p.Gly398Arg (NM_001352571.1); and 11 more; short protein forms G280R, G286R, G330R, G354R, G382R, G389R, G398R, G291R.
Identifiers: ClinVar variation 1946004 (VCV001946004.4), dbSNP rs759217853, ClinGen allele CA5450738.

ClinVar aggregate classification (germline): Uncertain significance. Review status: criteria provided, multiple submitters, no conflicts (2 of 4 stars). 2 submissions from 2 submitters: Uncertain significance (2). Last evaluated 2025-02-13.

Conditions:
Inborn genetic diseases. Identifiers: MedGen C0950123, MeSH D030342.

Allele frequency attached by ClinVar (database versions not stated): ExAC 0.00001; TOPMed 0.00002; gnomAD 0.00003; gnomAD exomes 0.00004.
gnomAD v4.1: 66 of 1,614,066 alleles (0.0041%); highest among the groups gnomAD compares: Non-Finnish European, 0.0048%; no homozygotes.

Submissions (2):

Ambry Genetics
Classification: Uncertain significance for Inborn genetic diseases. Last evaluated: 2025-02-13. Review status: criteria provided, single submitter. Criteria: Ambry Variant Classification Scheme 2023. Collection method: clinical testing. Allele origin: germline.

Labcorp Genetics (formerly Invitae), Labcorp
Classification: Uncertain significance. Last evaluated: 2023-11-01. Review status: criteria provided, single submitter. Criteria: Invitae Variant Classification Sherloc (09022015). Collection method: clinical testing. Allele origin: germline.
Comment: This sequence change replaces glycine, which is neutral and non-polar, with arginine, which is basic and polar, at codon 389 of the ACBD5 protein (p.Gly389Arg). This variant is present in population databases (rs759217853, gnomAD 0.003%). This variant has not been reported in the literature in individuals affected with ACBD5-related conditions. ClinVar contains an entry for this variant (Variation ID: 1946004). Advanced modeling of protein sequence and biophysical properties (such as structural, functional, and spatial information, amino acid conservation, physicochemical variation, residue mobility, and thermodynamic stability) performed at Invitae indicates that this missense variant is not expected to disrupt ACBD5 protein function with a negative predictive value of 80%. In summary, the available evidence is currently insufficient to determine the role of this variant in disease. Therefore, it has been classified as a Variant of Uncertain Significance.